The following continues an entry in ClinVar:

NM_000059.4(BRCA2):c.6323G>A (p.Arg2108His)

Gene: BRCA2. ClinVar aggregate classification (germline): Benign. Benign (1).

Submissions 21 to 38 of 38:

Color Diagnostics, LLC DBA Color Health
Classification: Benign for Hereditary cancer-predisposing syndrome. Last evaluated: 2015-03-09. Review status: criteria provided, single submitter. Criteria: ACMG Guidelines, 2015. Collection method: clinical testing. Allele origin: germline. Not counted in ClinVar's aggregate classification.

Eurofins Ntd Llc (ga)
Classification: Benign. Last evaluated: 2014-12-11. Review status: criteria provided, single submitter. Criteria: EGL Classification Definitions 2015. Collection method: clinical testing. Allele origin: germline. Observed: 2 variant alleles, 2 heterozygotes. Not counted in ClinVar's aggregate classification.

Ambry Genetics
Classification: Benign for Hereditary cancer-predisposing syndrome. Last evaluated: 2014-11-19. Review status: criteria provided, single submitter. Criteria: Ambry Variant Classification Scheme 2023. Collection method: clinical testing. Allele origin: germline. Not counted in ClinVar's aggregate classification.

CSER _CC_NCGL, University of Washington
Classification: Likely benign for Breast cancer. Last evaluated: 2014-06-01. Review status: criteria provided, single submitter. Criteria: Amendola et al. (Genome Res. 2015). Collection method: research. Allele origin: germline. Inheritance: Autosomal dominant inheritance. Study: ESP 6500 variant annotation. Not counted in ClinVar's aggregate classification.
Comment: Variants classified for the Actionable exomic incidental findings in 6503 participants: challenges of variant classification manuscript

GeneDx
Classification: Benign. Last evaluated: 2013-12-23. Review status: criteria provided, single submitter. Criteria: GeneDx Variant Classification (06012015). Collection method: clinical testing. Allele origin: germline. Affected: yes. Not counted in ClinVar's aggregate classification.
Comment: This variant is considered likely benign or benign based on one or more of the following criteria: it is a conservative change, it occurs at a poorly conserved position in the protein, it is predicted to be benign by multiple in silico algorithms, and/or has population frequency not consistent with disease.

Breakthrough Genomics
Classification: Benign. Review status: criteria provided, single submitter. Criteria: ACMG Guidelines, 2015. Collection method: not provided. Allele origin: germline. Inheritance: Autosomal recessive inheritance. Affected: yes. Not counted in ClinVar's aggregate classification.

PreventionGenetics, part of Exact Sciences
Classification: Likely benign for BRCA2-related condition. Last evaluated: 2019-05-23. Review status: no assertion criteria provided. Collection method: clinical testing. Allele origin: germline. Not counted in ClinVar's aggregate classification.
Comment: This variant is classified as likely benign based on ACMG/AMP sequence variant interpretation guidelines (Richards et al. 2015 PMID: 25741868, with internal and published modifications).

True Health Diagnostics
Classification: Likely benign for Hereditary cancer-predisposing syndrome. Last evaluated: 2017-12-08. Review status: no assertion criteria provided. Collection method: clinical testing. Allele origin: germline. Not counted in ClinVar's aggregate classification.

Mayo Clinic Laboratories, Mayo Clinic
Classification: Benign. Last evaluated: 2017-02-20. Review status: no assertion criteria provided. Collection method: clinical testing. Allele origin: unknown. Not counted in ClinVar's aggregate classification.

Pathway Genomics
Classification: Benign for Breast-ovarian cancer, familial 2. Last evaluated: 2014-07-24. Review status: no assertion criteria provided. Collection method: clinical testing. Allele origin: germline. Not counted in ClinVar's aggregate classification.

Counsyl
Classification: Likely benign for Breast-ovarian cancer, familial 2. Last evaluated: 2014-01-02. Review status: no assertion criteria provided. Collection method: literature only. Allele origin: unknown. Inheritance: Autosomal dominant inheritance. Not counted in ClinVar's aggregate classification.

Sharing Clinical Reports Project (SCRP)
Classification: Benign for Breast-ovarian cancer, familial 2. Last evaluated: 2012-10-10. Review status: no assertion criteria provided. Collection method: clinical testing. Allele origin: germline. Not counted in ClinVar's aggregate classification.

Breast Cancer Information Core (BIC) (BRCA2)
Classification: Uncertain significance for Breast-ovarian cancer, familial 2. Last evaluated: 2002-05-29. Review status: no assertion criteria provided. Collection method: clinical testing. Allele origin: germline. Affected: yes. Observed: 126 variant alleles. Not counted in ClinVar's aggregate classification.

Clinical Genetics Laboratory, Department of Pathology, Netherlands Cancer Institute
Classification: Benign. Review status: no assertion criteria provided. Collection method: clinical testing. Allele origin: germline. Affected: yes. Study: VKGL Data-share Consensus. Not counted in ClinVar's aggregate classification.

Department of Pathology and Laboratory Medicine, Sinai Health System
Classification: Benign. Review status: no assertion criteria provided. Collection method: clinical testing. Allele origin: unknown. Affected: yes. Observed: 3 variant alleles. Study: The Canadian Open Genetics Repository (COGR). Not counted in ClinVar's aggregate classification.
Comment: The p.Arg2108His variant has been reported in the literature in 14/19788 proband chromosomes in individuals with breast cancer, prostate cancer and cutaneous melanoma (Borg_2010, Caux-Moncoutier_2009, Caux-Moncoutier_2011,de Sanjose_2003, Diez_2003, Gomez-Garcia_2005, Kote-Jarai_2011, Lindor_2012, Monnerat_2007). It was not, however, found in any of the 100 control chromosomes tested. It is listed in the dbSNP database as coming from a "clinical source" (ID#:rs35029074) with a global minor allele frequency (MAF) of 0.001 (1000 Genomes), increasing the likelihood that this is a low frequency benign variant. The variant was also identified in the LOVD (X2), UMD (X68), Exome server, BIC (X127) and BOCs databases; in the latter database it was classified as a benign variant with an ACMG 5 designation. In the UMD database, this variant has been identified in nine individuals with a second pathogenic in BRCA1 [c.6078dup (p.Arg2027LysfsX22), c.1440_1441delCA (p.Ile481SerfsX32)] and BRCA2 [c.IVS16+6T>C (c.4986+6T>C), c.442_4357del (p.Glu149TyrfsX2), c.4485_4675del (p.Ser1496GlyfsX14), c.2679_2682delGAAA (p.Lys893AsnfsX106)], thereby increasing the likelihood that this variant does not have clinical significance. This residue is not conserved in mammals and the variant amino acid Histidine (His) is present in chicken at this position, increasing the likelihood that an alteration to this residue may not have functional significance. Computational analyses (PolyPhen, SIFT, AlignGVGD) do not predict any effect on the protein function, however, this information is not predictive enough to assume pathogenicity. In summary, based on the above information, this variant is classified as benign.

Diagnostic Laboratory, Department of Genetics, University Medical Center Groningen
Classification: Benign for Breast-ovarian cancer, familial, susceptibility to, 2. Review status: no assertion criteria provided. Collection method: clinical testing. Allele origin: germline. Affected: yes. Study: VKGL Data-share Consensus. Not counted in ClinVar's aggregate classification.

Joint Genome Diagnostic Labs from Nijmegen and Maastricht, Radboudumc and MUMC+
Classification: Benign. Review status: no assertion criteria provided. Collection method: clinical testing. Allele origin: germline. Affected: yes. Study: VKGL Data-share Consensus. Not counted in ClinVar's aggregate classification.

Laboratory of Diagnostic Genome Analysis, Leiden University Medical Center (LUMC)
Classification: Benign. Review status: no assertion criteria provided. Collection method: clinical testing. Allele origin: germline. Affected: yes. Study: VKGL Data-share Consensus. Not counted in ClinVar's aggregate classification.

Literature cited by the submitters: PubMed 21990134 (cited by Evidence-based Network for the Interpretation of Germline Mutant Alleles (ENIGMA) and Illumina Laboratory Services, Illumina); DOI 10.3389/fgene.2022.834265 (cited by National Health Laboratory Service, Universitas Academic Hospital and University of the Free State); PubMed 36329109 (cited by Genetics Program, Instituto Nacional de Cancer); PubMed 22678057 (cited by 3 submitters); PubMed 17924331 (cited by 3 submitters); PubMed 12845657 (cited by Illumina Laboratory Services, Illumina and Counsyl); PubMed 21520273 (cited by Counsyl); PubMed 21952622 (cited by Counsyl).